The following is an entry in ClinVar:

NM_002474.3(MYH11):c.2970G>A (p.Met990Ile)

Gene: MYH11 (myosin heavy chain 11; minus strand). Cytogenetic location: 16p13.11.
Variant type: single nucleotide variant.
Coding change: c.2970G>A on transcript NM_002474.3 (MANE Select); coding-DNA position 2970, G replaced by A.
Protein change: p.Met990Ile; replaces methionine 990 with isoleucine.
Molecular consequence: missense variant.
Genome position (GRCh38, 1-based): chr16:15,740,078, C>T on the plus strand (G>A on the coding strand, the complement: MYH11 is on the minus strand). VCF-style: chr16-15740078-C-T. GRCh37 (hg19) VCF-style: chr16-15833935-C-T.
Other names: c.2991G>A, p.Met997Ile (NM_001040113.2, NM_001040114.2); c.2970G>A, p.Met990Ile (NM_022844.3); short protein forms M990I, M997I.
Identifiers: ClinVar variation 924393 (VCV000924393.4), dbSNP rs2041229911, ClinGen allele CA394864632.

ClinVar aggregate classification (germline): Uncertain significance (1 of 4 stars; one submission).

Conditions:
Familial thoracic aortic aneurysm and aortic dissection (TAAD). Also called: Thoracic aortic aneurysms and dissections. Identifiers: Orphanet 91387, MedGen C4707243, MONDO:0019625.

Allele frequency attached by ClinVar (database versions not stated): gnomAD exomes below 0.00001.
gnomAD v4.1: 3 of 1,614,206 alleles (0.00019%); highest among the groups gnomAD compares: Non-Finnish European, 0.00025%; no homozygotes.

Submission:

Color Diagnostics, LLC DBA Color Health
Classification: Uncertain significance for Familial thoracic aortic aneurysm and aortic dissection. Last evaluated: 2024-03-06. Review status: criteria provided, single submitter. Criteria: ACMG Guidelines, 2015. Collection method: clinical testing. Allele origin: germline.
Comment: This missense variant replaces methionine with isoleucine at codon 997 of the MYH11 protein. Computational prediction suggests that this variant may not impact protein structure and function (internally defined REVEL score threshold <= 0.5, PMID: 27666373). Splice site prediction tools suggest that this variant may not impact RNA splicing. To our knowledge, functional studies have not been performed for this variant. This variant has not been reported in individuals affected with cardiovascular disorders in the literature. This variant has not been identified in the general population by the Genome Aggregation Database (gnomAD). The available evidence is insufficient to determine the role of this variant in disease conclusively. Therefore, this variant is classified as a Variant of Uncertain Significance.